The following is an entry in ClinVar:

ClinVar aggregate classification (germline): Uncertain significance. Review status: criteria provided, multiple submitters, no conflicts (2 of 4 stars). 3 submissions from 3 submitters: Uncertain significance (3). Last evaluated 2025-10-08.

Conditions:
Inborn genetic diseases. Identifiers: MedGen C0950123, MeSH D030342.
Idiopathic generalized epilepsy. Also called: Generalised epilepsy; EIG. Identifiers: MedGen C0270850, MONDO:0005579, OMIM 600669.

Allele frequency attached by ClinVar (database versions not stated): gnomAD 0.00009 and 0.00010; TOPMed 0.00011; ExAC 0.00014; ESP Exome Variant Server 0.00015; gnomAD exomes 0.00015 and 0.00018.
gnomAD v4.1: 236 of 1,613,540 alleles (0.015%); highest among the groups gnomAD compares: Middle Eastern, 0.033%; no homozygotes.

Submissions (3):

Labcorp Genetics (formerly Invitae), Labcorp
Classification: Uncertain significance for Idiopathic generalized epilepsy. Last evaluated: 2025-10-08. Review status: criteria provided, single submitter. Criteria: Invitae Variant Classification Sherloc (09022015). Collection method: clinical testing. Allele origin: germline.
Comment: This sequence change replaces isoleucine, which is neutral and non-polar, with threonine, which is neutral and polar, at codon 28 of the RBFOX1 protein (p.Ile28Thr). This variant is present in population databases (rs147525462, gnomAD 0.03%). This variant has not been reported in the literature in individuals affected with RBFOX1-related conditions. ClinVar contains an entry for this variant (Variation ID: 529516). An algorithm developed to predict the effect of missense changes on protein structure and function (PolyPhen-2) suggests that this variant is likely to be tolerated. In summary, the available evidence is currently insufficient to determine the role of this variant in disease. Therefore, it has been classified as a Variant of Uncertain Significance.

Ambry Genetics
Classification: Uncertain significance for Inborn genetic diseases. Last evaluated: 2023-03-21. Review status: criteria provided, single submitter. Criteria: Ambry Variant Classification Scheme 2023. Collection method: clinical testing. Allele origin: germline.

Breakthrough Genomics
Classification: Uncertain significance. Review status: criteria provided, single submitter. Criteria: ACMG Guidelines, 2015. Collection method: not provided. Allele origin: germline. Inheritance: Unknown mechanism. Affected: yes.

NM_145893.3(RBFOX1):c.83T>C (p.Ile28Thr)

Gene: RBFOX1 (RNA binding fox-1 homolog 1; plus strand). Cytogenetic location: 16p13.3.
Variant type: single nucleotide variant.
Coding change: c.83T>C on transcript NM_145893.3 (MANE Plus Clinical); coding-DNA position 83, T replaced by C.
Protein change: p.Ile28Thr; replaces isoleucine 28 with threonine.
Molecular consequence: missense variant. On other transcripts: intron variant (5).
Genome position (GRCh38, 1-based): chr16:7,333,084, T>C. VCF-style: chr16-7333084-T-C. GRCh37 (hg19) VCF-style: chr16-7383085-T-C.
Other names: c.83T>C, p.Ile28Thr (NM_145891.3, NM_145892.3); c.28-185063T>C (NM_001364800.2, NM_018723.4, NM_001142333.2 and 1 more transcripts); c.157-185063T>C (NM_001308117.1); short protein forms I28T.
Identifiers: ClinVar variation 529516 (VCV000529516.15), dbSNP rs147525462, ClinGen allele CA7891247.
Genomic context (GRCh38, chr16:7,333,084, plus strand): 5'-TCCTGCATCCTTATGGCGTGCCTATGATTGTACCGGCAGCTCCTTACCTTCCTGGACTGA[T>C]TCAGGTAATTCAAGGCCTCTGCCAGCCAGCAACTTAACTCCAGAGTGCTCAGAGTAATAA-3'
Protein context (NP_665900.1, residues 18-38): VPAAPYLPGL[Ile28Thr]QGNQEAAAAP